The following is an entry in ClinVar:

NM_198253.3(TERT):c.863C>T (p.Ala288Val)

Gene: TERT (telomerase reverse transcriptase; minus strand). Cytogenetic location: 5p15.33.
Variant type: single nucleotide variant.
Coding change: c.863C>T on transcript NM_198253.3 (MANE Select); coding-DNA position 863, C replaced by T.
Protein change: p.Ala288Val; replaces alanine 288 with valine.
Molecular consequence: missense variant. On other transcripts: non-coding transcript variant (2).
Genome position (GRCh38, 1-based): chr5:1,294,023, G>A on the plus strand (C>T on the coding strand, the complement: TERT is on the minus strand). VCF-style: chr5-1294023-G-A. GRCh37 (hg19) VCF-style: chr5-1294138-G-A.
Other names: p.Ala288Val; c.863C>T, p.Ala288Val (NM_001193376.3); short protein forms A288V.
Identifiers: ClinVar variation 539214 (VCV000539214.20), dbSNP rs774657340, ClinGen allele CA3184898.
Genomic context (GRCh38, chr5:1,294,023, plus strand): 5'-GGGGGGCCCGCGTGGTGCTGGCGGCCCACGGATGGGTGGGAGTGGCGCGTGCCAGAGAGC[G>A]CACCCTCCAAAGAGGTGGCTTCTTCGGCGGGTCTGGCAGGTGACACCACACAGAAACCAC-3'
Protein context (NP_937983.2, residues 278-298): PAEEATSLEG[Ala288Val]LSGTRHSHPS

ClinVar aggregate classification (germline): Conflicting classifications of pathogenicity. Review status: criteria provided, conflicting classifications (1 of 4 stars). 8 submissions from 8 submitters: Uncertain significance (6); Likely benign (1). 1 of the submissions does not count toward it. Last evaluated 2026-01-15.

Conditions:
TERT-related disorder. Also called: TERT-related disorders; TERT-related condition.
Acute myeloid leukemia (AML). Also called: Leukemia, acute myeloid, somatic; Leukemia, acute myelogenous, somatic; Acute myeloid leukemia, adult; AML adult; Acute non-lymphocytic leukemia; Acute granulocytic leukemia. Identifiers: Orphanet 519, MedGen C0023467, MeSH D015470, MONDO:0018874, OMIM 601626, HP:0004808. Disease mechanism: Constitutively activated FLT3.
Dyskeratosis congenita, autosomal dominant 2. Identifiers: MedGen C3151443, MONDO:0013521, OMIM 613989.
Aplastic anemia. Identifiers: Orphanet 182040, Orphanet 88, MedGen C0002874, MONDO:0015909, OMIM 609135, HP:0001915.
Pulmonary fibrosis and/or bone marrow failure, Telomere-related, 1. Also called: PULMONARY FIBROSIS AND/OR BONE MARROW FAILURE SYNDROME, TELOMERE-RELATED, 1. Identifiers: Orphanet 88, MedGen C3553617, MONDO:0013878, OMIM 614742.
Melanoma, cutaneous malignant, susceptibility to, 9. Also called: Cutaneous malignant melanoma 9. Identifiers: Orphanet 618, MedGen C3554574, MONDO:0014056, OMIM 615134.
Dyskeratosis congenita, autosomal dominant 1 (DKCA1). Also called: Dyskeratosis congenita Scoggins type. Identifiers: Orphanet 1775, MedGen C4551974, MONDO:0007485, OMIM 127550. Inheritance: Variable.
Interstitial lung disease 2 (ILD2). Also called: FIBROCYSTIC PULMONARY DYSPLASIA; FIBROSING ALVEOLITIS, CRYPTOGENIC; Familial idiopathic pulmonary fibrosis. Identifiers: Orphanet 2032, Orphanet 79126, MedGen C5561926, MONDO:0800497, OMIM 178500, MONDO:0800029.
Dyskeratosis congenita. Identifiers: Orphanet 1775, MedGen C0265965, MONDO:0015780.
Idiopathic Pulmonary Fibrosis. Also called: Idiopathic fibrosing alveolitis, chronic form; idiopathic fibrosing alveolitis. Identifiers: Orphanet 2032, MedGen C1800706, MeSH D054990, MONDO:0800504.

Allele frequency attached by ClinVar (database versions not stated): gnomAD 0.00003; gnomAD exomes 0.00005; TOPMed 0.00007; ExAC 0.00009.
gnomAD v4.1: 32 of 1,594,668 alleles (0.002%); highest among the groups gnomAD compares: Admixed American, 0.034%; no homozygotes.

Submissions (8):

Labcorp Genetics (formerly Invitae), Labcorp
Classification: Likely benign for Dyskeratosis congenita, autosomal dominant 2; Idiopathic Pulmonary Fibrosis. Last evaluated: 2026-01-15. Review status: criteria provided, single submitter. Criteria: Invitae Variant Classification Sherloc (09022015). Collection method: clinical testing. Allele origin: germline.

Ambry Genetics
Classification: Uncertain significance for Dyskeratosis congenita. Last evaluated: 2024-12-16. Review status: criteria provided, single submitter. Criteria: Ambry Variant Classification Scheme 2023. Collection method: clinical testing. Allele origin: germline.
Comment: The p.A288V variant (also known as c.863C>T), located in coding exon 2 of the TERT gene, results from a C to T substitution at nucleotide position 863. The alanine at codon 288 is replaced by valine, an amino acid with similar properties. This amino acid position is poorly conserved in available vertebrate species. In addition, this alteration is predicted to be tolerated by in silico analysis. The evidence for this gene-disease relationship is limited; therefore, the clinical significance of this alteration is unclear.

Mayo Clinic Laboratories, Mayo Clinic
Classification: Uncertain significance. Last evaluated: 2023-01-12. Review status: criteria provided, single submitter. Criteria: ACMG Guidelines, 2015. Collection method: clinical testing. Allele origin: germline. Observed: 3 variant alleles.
Comment: BP4, PP2

GeneDx
Classification: Uncertain significance. Last evaluated: 2022-05-12. Review status: criteria provided, single submitter. Criteria: GeneDx Variant Classification Process June 2021. Collection method: clinical testing. Allele origin: germline. Affected: yes.
Comment: In silico analysis supports that this missense variant does not alter protein structure/function; Has not been previously published as pathogenic or benign germline variant to our knowledge; This variant is associated with the following publications: (PMID: 35456430)

Fulgent Genetics
Classification: Uncertain significance for Dyskeratosis congenita, autosomal dominant 1; Interstitial lung disease 2; Acute myeloid leukemia; Aplastic anemia; Dyskeratosis congenita, autosomal dominant 2; Pulmonary fibrosis and/or bone marrow failure, Telomere-related, 1; Melanoma, cutaneous malignant, susceptibility to, 9. Last evaluated: 2021-11-19. Review status: criteria provided, single submitter. Criteria: ACMG Guidelines, 2015. Collection method: clinical testing. Allele origin: unknown.

Baylor Genetics
Classification: Uncertain significance for Pulmonary fibrosis and/or bone marrow failure, Telomere-related, 1. Last evaluated: 2020-07-01. Review status: criteria provided, single submitter. Criteria: ACMG Guidelines, 2015. Collection method: clinical testing. Allele origin: maternal. Affected: yes. Study: CSER-TexasKidsCanSeq.
Comment: This variant was determined to be of uncertain significance according to ACMG Guidelines, 2015 [PMID:25741868].

Breakthrough Genomics
Classification: Uncertain significance. Review status: criteria provided, single submitter. Criteria: ACMG Guidelines, 2015. Collection method: not provided. Allele origin: germline. Inheritance: Autosomal recessive inheritance. Affected: yes.

PreventionGenetics, part of Exact Sciences
Classification: Uncertain significance for TERT-related condition. Last evaluated: 2024-03-04. Review status: no assertion criteria provided. Collection method: clinical testing. Allele origin: germline. Not counted in ClinVar's aggregate classification.
Comment: The TERT c.863C>T variant is predicted to result in the amino acid substitution p.Ala288Val. To our knowledge, this variant has not been reported in the literature. This variant is reported in 0.027% of alleles in individuals of Latino descent in gnomAD. It has conflicting interpretations of likely benign and uncertain significance in ClinVar. At this time, the clinical significance of this variant is uncertain due to the absence of conclusive functional and genetic evidence.